The following is an entry in ClinVar:

ClinVar aggregate classification (germline): Uncertain significance (1 of 4 stars; one submission).

Conditions:
3-methylglutaconic aciduria with deafness, encephalopathy, and Leigh-like syndrome (MEGDEL). Also called: SERAC1 Deficiency; MEGDEL syndrome; 3-METHYLGLUTACONIC ACIDURIA, TYPE VI. Identifiers: Orphanet 352328, MedGen C4040739, MONDO:0013875, OMIM 614739.

Allele frequency attached by ClinVar (database versions not stated): gnomAD 0.00001; TOPMed 0.00001; gnomAD exomes 0.00002.
gnomAD v4.1: 7 of 1,613,492 alleles (0.00043%); highest among the groups gnomAD compares: Admixed American, 0.0083%; no homozygotes.

Submission:

Labcorp Genetics (formerly Invitae), Labcorp
Classification: Uncertain significance for 3-methylglutaconic aciduria with deafness, encephalopathy, and Leigh-like syndrome. Last evaluated: 2021-08-27. Review status: criteria provided, single submitter. Criteria: Invitae Variant Classification Sherloc (09022015). Collection method: clinical testing. Allele origin: germline.
Comment: This sequence change replaces cysteine with phenylalanine at codon 226 of the SERAC1 protein (p.Cys226Phe). The cysteine residue is highly conserved and there is a large physicochemical difference between cysteine and phenylalanine. This variant is not present in population databases (ExAC no frequency). This variant has not been reported in the literature in individuals affected with SERAC1-related conditions. Algorithms developed to predict the effect of missense changes on protein structure and function are either unavailable or do not agree on the potential impact of this missense change (SIFT: "Deleterious"; PolyPhen-2: "Probably Damaging"; Align-GVGD: "Class C15"). In summary, the available evidence is currently insufficient to determine the role of this variant in disease. Therefore, it has been classified as a Variant of Uncertain Significance.

NM_032861.4(SERAC1):c.677G>T (p.Cys226Phe)

Gene: SERAC1 (serine active site containing 1; minus strand). Cytogenetic location: 6q25.3.
Variant type: single nucleotide variant.
Coding change: c.677G>T on transcript NM_032861.4 (MANE Select); coding-DNA position 677, G replaced by T.
Protein change: p.Cys226Phe; replaces cysteine 226 with phenylalanine.
Molecular consequence: missense variant. On other transcripts: non-coding transcript variant (1).
Genome position (GRCh38, 1-based): chr6:158,143,117, C>A on the plus strand (G>T on the coding strand, the complement: SERAC1 is on the minus strand). VCF-style: chr6-158143117-C-A. GRCh37 (hg19) VCF-style: chr6-158564149-C-A.
Other names: short protein forms C226F.
Identifiers: ClinVar variation 1511859 (VCV001511859.5), dbSNP rs1243289662, ClinGen allele CA366262990.